The following is an entry in ClinVar:

ClinVar aggregate classification (germline): Pathogenic/Likely pathogenic. Review status: criteria provided, multiple submitters, no conflicts (2 of 4 stars). 4 submissions from 4 submitters: Pathogenic (1); Likely pathogenic (2). 1 of the submissions does not count toward it. Last evaluated 2025-04-16.

Conditions:
Congenital disorder of glycosylation (CDG). Also called: Carbohydrate-deficient glycoprotein syndrome; Congenital disorders of glycosylation. Identifiers: Orphanet 137, MedGen C0282577, MONDO:0015286.
ALG1-congenital disorder of glycosylation. Also called: CONGENITAL DISORDER OF GLYCOSYLATION, TYPE Ik; ALG1-CDG; CDG Ik. Identifiers: Orphanet 79327, MedGen C2931005, MONDO:0012052, OMIM 608540.

Allele frequency attached by ClinVar (database versions not stated): ExAC 0.00001; gnomAD exomes 0.00001; TOPMed 0.00001; gnomAD 0.00002.

Submissions (4):

Labcorp Genetics (formerly Invitae), Labcorp
Classification: Pathogenic for ALG1-congenital disorder of glycosylation. Last evaluated: 2025-04-16. Review status: criteria provided, single submitter. Criteria: Invitae Variant Classification Sherloc (09022015). Collection method: clinical testing. Allele origin: germline.
Comment: This sequence change creates a premature translational stop signal (p.Ala418Glufs*18) in the ALG1 gene. While this is not anticipated to result in nonsense mediated decay, it is expected to disrupt the last 47 amino acid(s) of the ALG1 protein. This variant is present in population databases (rs746019074, gnomAD 0.02%). This premature translational stop signal has been observed in individuals with congenital disorders of glycosylation (PMID: 26453362, 26931382). ClinVar contains an entry for this variant (Variation ID: 424339). This variant disrupts the p.Arg438 amino acid residue in ALG1. Other variant(s) that disrupt this residue have been determined to be pathogenic (PMID: 20679665, 26931382). This suggests that this residue is clinically significant, and that variants that disrupt this residue are likely to be disease-causing. For these reasons, this variant has been classified as Pathogenic.

GeneDx
Classification: Likely pathogenic. Last evaluated: 2024-05-28. Review status: criteria provided, single submitter. Criteria: GeneDx Variant Classification Process June 2021. Collection method: clinical testing. Allele origin: germline. Affected: yes.
Comment: Frameshift variant predicted to result in abnormal protein length as the last 47 amino acids are replaced with 17 different amino acids, and other similar variants have been reported in HGMD; Not observed at a significant frequency in large population cohorts (gnomAD); This variant is associated with the following publications: (PMID: 26931382, 20679665, 26453362)

Fulgent Genetics
Classification: Likely pathogenic for ALG1-congenital disorder of glycosylation. Last evaluated: 2024-02-27. Review status: criteria provided, single submitter. Criteria: ACMG Guidelines, 2015. Collection method: clinical testing. Allele origin: germline.

University of Washington Center for Mendelian Genomics, University of Washington
Classification: Likely pathogenic for Congenital disorder of glycosylation. Last evaluated: 2017-05-25. Review status: no assertion criteria provided. Collection method: research. Allele origin: unknown. Affected: yes. Not counted in ClinVar's aggregate classification.

Literature cited by the submitters: PubMed 26453362 (cited by Labcorp Genetics (formerly Invitae), Labcorp); PubMed 26931382 (cited by Labcorp Genetics (formerly Invitae), Labcorp and University of Washington Center for Mendelian Genomics, University of Washington); PubMed 20679665 (cited by Labcorp Genetics (formerly Invitae), Labcorp).

NM_019109.5(ALG1):c.1250_1251insTG (p.Ala418fs)

Gene: ALG1 (ALG1 chitobiosyldiphosphodolichol beta-mannosyltransferase; plus strand). Cytogenetic location: 16p13.3.
Variant type: Insertion.
Coding change: c.1250_1251insTG on transcript NM_019109.5 (MANE Select); coding-DNA positions 1250 to 1251, TG inserted.
Protein change: p.Ala418fs; shifts the reading frame from alanine 418.
Molecular consequence: frameshift variant.
Genome position: GRCh38 VCF-style: chr16-5083744-C-CTG. GRCh37 (hg19) VCF-style: chr16-5133745-C-CTG.
Other names: c.917_918insTG, p.Ala307fs (NM_001330504.2); short protein forms A307fs, A418fs.
Identifiers: ClinVar variation 424339 (VCV000424339.16), dbSNP rs746019074, ClinGen allele CA7890288.